The following is an entry in ClinVar:

NM_001378418.1(TCF20):c.869dup (p.Tyr290Ter)

Gene: TCF20 (transcription factor 20; minus strand). Cytogenetic location: 22q13.2.
Variant type: Duplication.
Coding change: c.869dup on transcript NM_001378418.1 (MANE Select); coding-DNA position 869, one base duplicated (A; older notation c.869dupA).
Protein change: p.Tyr290Ter; replaces tyrosine 290 with a stop codon.
Molecular consequence: nonsense.
Genome position (GRCh38, 1-based): chr22:42,214,437, T duplicated on the plus strand (A on the coding strand, the reverse complement: TCF20 is on the minus strand). VCF-style (leftmost placement, unchanged base first): chr22-42214436-G-GT. GRCh37 (hg19) VCF-style: chr22-42610442-G-GT.
Other names: c.869dup, p.Tyr290Ter (NM_005650.4, NM_181492.3); short protein forms Y290*.
Identifiers: ClinVar variation 816998 (VCV000816998.1), dbSNP rs1601603552, ClinGen allele CA915951496.
Genomic context (GRCh38, chr22:42,214,436, plus strand): 5'-TTGGGTCCCTTGTGGAATCTTTGCCTGTTCAAAATTCTTCATAGATTGAGGCTGATAGCT[G>GT]TAATTGGATTGTGTTCCATAAGCCTGTGCATTAGAACCCACATTGTGTCCTTCATACTGA-3'

ClinVar aggregate classification (germline): Pathogenic (1 of 4 stars; one submission).

Submission:

GeneDx
Classification: Pathogenic. Last evaluated: 2019-02-14. Review status: criteria provided, single submitter. Criteria: GeneDx Variant Classification (06012015). Collection method: clinical testing. Allele origin: germline. Affected: yes.
Comment: The c.869dupA variant in the TCF20 gene has not been reported previously as a pathogenic variant nor as a benign variant, to our knowledge. The c.869dupA variant changes codon Tyrosine 290 to a premature Stop codon, denoted p.Tyr290Ter. This variant is predicted to cause loss of normal protein function either through protein truncation or nonsense-mediated mRNA decay. The c.869dupA variant is not observed in large population cohorts (Lek et al., 2016). We interpret c.869dupA as a pathogenic variant.